The following is an entry in ClinVar:

NM_001199138.2(NLRC4):c.1764_1765del (p.Gly589fs)

Gene: NLRC4 (NLR family CARD domain containing 4; minus strand). Cytogenetic location: 2p22.3.
Variant type: Deletion.
Coding change: c.1764_1765del on transcript NM_001199138.2 (MANE Select); coding-DNA positions 1764 to 1765, 2 bases deleted (AG; older notation c.1764_1765delAG).
Protein change: p.Gly589fs; shifts the reading frame from glycine 589.
Molecular consequence: frameshift variant. On other transcripts: intron variant (1).
Genome position (GRCh38, 1-based): chr2:32,250,099-32,250,100, CT deleted on the plus strand (AG on the coding strand, the reverse complement: NLRC4 is on the minus strand). VCF-style (leftmost placement, unchanged base first): chr2-32250098-CCT-C. GRCh37 (hg19) VCF-style: chr2-32475167-CCT-C.
Other names: c.1764_1765delAG, p.Gly589Glufs (NM_001199139.2, NM_021209.5); c.262+2319_262+2320del (NM_001302504.1); short protein forms G589fs.
Identifiers: ClinVar variation 1362964 (VCV001362964.6), dbSNP rs1553347146, ClinGen allele CA531767606.
Genomic context (GRCh38, chr2:32,250,098, plus strand): 5'-AGGGCACTTGCACAATTGGGCAAATGTTCAAAGAAGTCAAATAAGTAATCGGGGATGTTC[CCT>C]GAGTTGATATATAAGCTTTTACCTTGAAAGAAAGCTTCAAATTCTTGGCTCAGGGCTGAT-3'

ClinVar aggregate classification (germline): Uncertain significance (1 of 4 stars; one submission).

Conditions:
Familial cold autoinflammatory syndrome 4 (FCAS4). Identifiers: Orphanet 47045, Orphanet 576349, MedGen C4015276, MONDO:0014498, OMIM 616115.
Periodic fever-infantile enterocolitis-autoinflammatory syndrome. Also called: Autoinflammation with infantile enterocolitis. Identifiers: Orphanet 436166, MedGen C4015067, MONDO:0014472, OMIM 616050.

Allele frequency attached by ClinVar (database versions not stated): gnomAD exomes 0.00003 and below 0.00001; gnomAD 0.00001.

Submission:

Labcorp Genetics (formerly Invitae), Labcorp
Classification: Uncertain significance for Periodic fever-infantile enterocolitis-autoinflammatory syndrome; Familial cold autoinflammatory syndrome 4. Last evaluated: 2025-09-27. Review status: criteria provided, single submitter. Criteria: Invitae Variant Classification Sherloc (09022015). Collection method: clinical testing. Allele origin: germline.
Comment: This sequence change creates a premature translational stop signal (p.Gly589Glufs*8) in the NLRC4 gene. It is expected to result in an absent or disrupted protein product. However, the current clinical and genetic evidence is not sufficient to establish whether loss-of-function variants in NLRC4 cause disease. This variant is present in population databases (no rsID available, gnomAD 0.002%). This variant has not been reported in the literature in individuals affected with NLRC4-related conditions. ClinVar contains an entry for this variant (Variation ID: 1362964). In summary, the available evidence is currently insufficient to determine the role of this variant in disease. Therefore, it has been classified as a Variant of Uncertain Significance.